The following is an entry in ClinVar:

NM_003906.5(MCM3AP):c.2739_2740del (p.Cys913_Glu914delinsTer)

Gene: MCM3AP (minichromosome maintenance complex component 3 associated protein; minus strand). Cytogenetic location: 21q22.3.
Variant type: Microsatellite.
Coding change: c.2739_2740del on transcript NM_003906.5 (MANE Select); coding-DNA positions 2739 to 2740, 2 bases deleted (TG; older notation c.2739_2740delTG).
Protein change: p.Cys913_Glu914delinsTer.
Molecular consequence: nonsense.
Genome position (GRCh38, 1-based): chr21:46,267,031-46,267,032, CA deleted on the plus strand (TG on the coding strand, the reverse complement: MCM3AP is on the minus strand); deleting any 2 consecutive bases within chr21:46,267,031-46,267,034 gives the same sequence; the c. name uses the placement nearest the transcript's 3' end. VCF-style (leftmost placement, unchanged base first): chr21-46267030-TCA-T. GRCh37 (hg19) VCF-style: chr21-47686944-TCA-T.
Identifiers: ClinVar variation 2992162 (VCV002992162.3), dbSNP rs766968609, ClinGen allele CA10076757.
Genomic context (GRCh38, chr21:46,267,030, plus strand): 5'-CTCAGCTCTTACCCGTCGGAAACGGTGAGGCCGTGGCAGGTGAGGAAGTCGGTGGCCTCT[TCA>T]CAGTCTCTGAACAGCAGCATGCGCACCACACCATCCAGGGGAAAGATGGTAGATCGCTGT-3'

ClinVar aggregate classification (germline): Pathogenic (1 of 4 stars; one submission).

Submission:

Labcorp Genetics (formerly Invitae), Labcorp
Classification: Pathogenic. Last evaluated: 2022-12-23. Review status: criteria provided, single submitter. Criteria: Invitae Variant Classification Sherloc (09022015). Collection method: clinical testing. Allele origin: germline.
Comment: This sequence change creates a premature translational stop signal (p.Cys913*) in the MCM3AP gene. It is expected to result in an absent or disrupted protein product. Loss-of-function variants in MCM3AP are known to be pathogenic (PMID: 28633435). This variant is present in population databases (rs766968609, gnomAD 0.0009%). This variant has not been reported in the literature in individuals affected with MCM3AP-related conditions. For these reasons, this variant has been classified as Pathogenic.

Literature cited by the submitters: PubMed 28633435.